The following is an entry in ClinVar:

NM_000368.5(TSC1):c.*2142T>C

Gene: TSC1 (TSC complex subunit 1; minus strand). Cytogenetic location: 9q34.13.
Variant type: single nucleotide variant.
Coding change: c.*2142T>C on transcript NM_000368.5 (MANE Select); 2142 bases downstream of the stop codon, T replaced by C.
Molecular consequence: 3 prime UTR variant.
Genome position (GRCh38, 1-based): chr9:132,894,093, A>G on the plus strand (T>C on the coding strand, the complement: TSC1 is on the minus strand). VCF-style: chr9-132894093-A-G. GRCh37 (hg19) VCF-style: chr9-135769480-A-G.
Other names: c.*2142T>C (NM_001162426.2, NM_001162427.2, NM_001362177.2).
Identifiers: ClinVar variation 365460 (VCV000365460.5), dbSNP rs112314368, ClinGen allele CA10632979.

ClinVar aggregate classification (germline): Benign. Review status: criteria provided, single submitter (1 of 4 stars). 2 submissions from 1 submitter: Benign (2). Last evaluated 2018-01-12.

Conditions:
Tuberous sclerosis 1 (TSC1). Identifiers: Orphanet 805, MedGen C1854465, MONDO:0008612, OMIM 191100.
Isolated focal cortical dysplasia type II (FCORD2). Also called: CORTICAL DYSPLASIA OF TAYLOR; Focal cortical dysplasia type II. Identifiers: Orphanet 268994, MedGen C1846385, MONDO:0011818, OMIM 607341, HP:0032051.

Allele frequency attached by ClinVar (database versions not stated): gnomAD exomes 0.00023; gnomAD 0.00126 and 0.00135; TOPMed 0.00138; 1000 Genomes Project 30x 0.00234; 1000 Genomes Project 0.00240.
gnomAD v4.1: 211 of 233,586 alleles (0.09%); highest among the groups gnomAD compares: African/African-American, 0.43%; no homozygotes.

Submissions (2):

Illumina Laboratory Services, Illumina
Classification: Benign for Tuberous sclerosis 1. Last evaluated: 2018-01-12. Review status: criteria provided, single submitter. Criteria: ICSL Variant Classification Criteria 13 December 2019. Collection method: clinical testing. Allele origin: germline.
Comment: This variant was observed in the ICSL laboratory as part of a predisposition screen in an ostensibly healthy population. It had not been previously curated by ICSL or reported in the Human Gene Mutation Database (HGMD: prior to June 1st, 2018), and was therefore a candidate for classification through an automated scoring system. Utilizing variant allele frequency, disease prevalence and penetrance estimates, and inheritance mode, an automated score was calculated to assess if this variant is too frequent to cause the disease. Based on the score and internal cut-off values, a variant classified as benign is not then subjected to further curation. The score for this variant resulted in a classification of benign for this disease.

Illumina Laboratory Services, Illumina
Classification: Benign for Isolated focal cortical dysplasia type II. Last evaluated: 2018-01-12. Review status: criteria provided, single submitter. Criteria: ICSL Variant Classification Criteria 13 December 2019. Collection method: clinical testing. Allele origin: germline.
Comment: the same text as in the submission from Illumina Laboratory Services, Illumina above.